The following is an entry in ClinVar:

ClinVar aggregate classification (germline): Likely pathogenic (1 of 4 stars; one submission).

Conditions:
Aspartylglucosaminuria (AGU). Also called: AGA DEFICIENCY; GLYCOASPARAGINASE; GLYCOSYLASPARAGINASE DEFICIENCY; Aspartylglucos-aminuria; Aspartylglucos-amidase (AGA) deficiency. Identifiers: Orphanet 93, MedGen C0268225, MONDO:0008830, OMIM 208400, HP:0012068.

Submission:

Natera, Inc.
Classification: Likely pathogenic for Aspartylglucosaminuria. Last evaluated: 2024-08-21. Review status: criteria provided, single submitter. Criteria: Natera Variant Classification Schema (03/2026). Collection method: clinical testing. Allele origin: germline.
Comment: The c.438_439insGCTTA variant in AGA is a frameshift variant predicted to shift the reading frame beginning at codon 147 and leads to a stop codon 44 codons downstream. This variant is expected to result in nonsense mediated decay, truncation, or a dysfunctional protein product. This variant is rare in the general population with a frequency below the threshold expected for the associated phenotype(s). Given the available evidence, this variant is classified as Likely Pathogenic.

NM_000027.4(AGA):c.438_439insGCTTA (p.Ser147fs)

Gene: AGA (aspartylglucosaminidase; minus strand). Cytogenetic location: 4q34.3.
Variant type: Insertion.
Coding change: c.438_439insGCTTA on transcript NM_000027.4 (MANE Select); coding-DNA positions 438 to 439, GCTTA inserted.
Protein change: p.Ser147fs; shifts the reading frame from serine 147.
Molecular consequence: frameshift variant. On other transcripts: non-coding transcript variant (1).
Genome position: GRCh38 VCF-style: chr4-177438813-A-ATAAGC. GRCh37 (hg19) VCF-style: chr4-178359967-A-ATAAGC.
Other names: c.438_439insGCTTA, p.Ser147fs (NM_001171988.2); short protein forms S147fs.
Identifiers: ClinVar variation 4817915 (VCV004817915.1).